The following is an entry in ClinVar:

ClinVar aggregate classification (germline): Uncertain significance (1 of 4 stars; one submission).

Submission:

Labcorp Genetics (formerly Invitae), Labcorp
Classification: Uncertain significance. Last evaluated: 2020-09-15. Review status: criteria provided, single submitter. Criteria: Invitae Variant Classification Sherloc (09022015). Collection method: clinical testing. Allele origin: germline.
Comment: In summary, the available evidence is currently insufficient to determine the role of this variant in disease. Therefore, it has been classified as a Variant of Uncertain Significance. Algorithms developed to predict the effect of missense changes on protein structure and function are either unavailable or do not agree on the potential impact of this missense change (SIFT: "Deleterious"; PolyPhen-2: "Possibly Damaging"; Align-GVGD: "Class C0"). This variant has not been reported in the literature in individuals with CTNNA1-related conditions. This variant is not present in population databases (ExAC no frequency). This sequence change replaces glycine with aspartic acid at codon 7 of the CTNNA1 protein (p.Gly7Asp). The glycine residue is highly conserved and there is a moderate physicochemical difference between glycine and aspartic acid.

NM_001903.5(CTNNA1):c.20G>A (p.Gly7Asp)

Gene: CTNNA1 (catenin alpha 1; plus strand). Cytogenetic location: 5q31.2.
Variant type: single nucleotide variant.
Coding change: c.20G>A on transcript NM_001903.5 (MANE Select); coding-DNA position 20, G replaced by A.
Protein change: p.Gly7Asp; replaces glycine 7 with aspartic acid.
Molecular consequence: missense variant. On other transcripts: 5 prime UTR variant (2).
Genome position (GRCh38, 1-based): chr5:138,781,944, G>A. VCF-style: chr5-138781944-G-A. GRCh37 (hg19) VCF-style: chr5-138117633-G-A.
Other names: c.20G>A, p.Gly7Asp (NM_001290307.3, NM_001323982.2, NM_001323983.1 and 3 more transcripts); c.-94G>A (NM_001290309.3); c.-187G>A (NM_001290310.3); short protein forms G7D.
Identifiers: ClinVar variation 1026292 (VCV001026292.8), dbSNP rs1755158341, ClinGen allele CA361477059.